The following is an entry in ClinVar:

NM_024642.5(GALNT12):c.1515C>T (p.Gly505=)

Gene: GALNT12 (polypeptide N-acetylgalactosaminyltransferase 12; plus strand). Cytogenetic location: 9q22.33.
Variant type: single nucleotide variant.
Coding change: c.1515C>T on transcript NM_024642.5 (MANE Select); coding-DNA position 1515, C replaced by T.
Protein change: p.Gly505=; no amino-acid change (glycine 505 retained).
Molecular consequence: synonymous variant.
Genome position (GRCh38, 1-based): chr9:98,846,033, C>T. VCF-style: chr9-98846033-C-T. GRCh37 (hg19) VCF-style: chr9-101608315-C-T.
Identifiers: ClinVar variation 485675 (VCV000485675.14), dbSNP rs369089798, ClinGen allele CA5154306.
Genomic context (GRCh38, chr9:98,846,033, plus strand): 5'-TTAGTTTTTCGAGTACACGTCCCAGAAAGAAATACGCTATAACACCCACCAGCCTGAGGG[C>T]TGCATTGCTGTGGAAGCAGGAATGGATACCCTTATCATGCATCTCTGCGAAGAAACTGCC-3'
Protein context (NP_078918.3, residues 495-515): EIRYNTHQPE[Gly505=]CIAVEAGMDT

ClinVar aggregate classification (germline): Benign/Likely benign. Review status: criteria provided, multiple submitters, no conflicts (2 of 4 stars). 3 submissions from 3 submitters: Benign (1); Likely benign (2). Last evaluated 2026-04-27.

Conditions:
Colorectal cancer, susceptibility to, 1. Also called: COLORECTAL ADENOMA AND CANCER, SUSCEPTIBILITY TO; COLORECTAL CANCER, SUSCEPTIBILITY TO, ON CHROMOSOME 9. Identifiers: MedGen C1837315, MONDO:0012132, OMIM 608812.

Allele frequency attached by ClinVar (database versions not stated): gnomAD 0.00001; ESP Exome Variant Server 0.00008; ExAC 0.00001; gnomAD exomes below 0.00001 and 0.00001; TOPMed 0.00001.
gnomAD v4.1: 5 of 1,614,042 alleles (0.00031%); highest among the groups gnomAD compares: Non-Finnish European, 0.00034%; no homozygotes.

Submissions (3):

Myriad Genetics, Inc.
Classification: Benign for Colorectal cancer, susceptibility to, 1. Last evaluated: 2026-04-27. Review status: criteria provided, single submitter. Criteria: Myriad Autosomal Dominant, Autosomal Recessive and X-Linked Classification Criteria (2023). Collection method: clinical testing. Allele origin: unknown.
Comment: This variant is considered benign. This variant is a silent/synonymous amino acid change and it is not expected to impact splicing.

Labcorp Genetics (formerly Invitae), Labcorp
Classification: Likely benign. Last evaluated: 2021-02-17. Review status: criteria provided, single submitter. Criteria: Invitae Variant Classification Sherloc (09022015). Collection method: clinical testing. Allele origin: germline.

Ambry Genetics
Classification: Likely benign. Last evaluated: 2017-05-25. Review status: criteria provided, single submitter. Criteria: Ambry Variant Classification Scheme 2023. Collection method: clinical testing. Allele origin: germline.